The following is an entry in ClinVar:

NM_020975.6(RET):c.3007A>G (p.Lys1003Glu)

Gene: RET (ret proto-oncogene; plus strand). Cytogenetic location: 10q11.21.
Variant type: single nucleotide variant.
Coding change: c.3007A>G on transcript NM_020975.6 (MANE Select); coding-DNA position 3007, A replaced by G.
Protein change: p.Lys1003Glu; replaces lysine 1003 with glutamic acid.
Molecular consequence: missense variant.
Genome position (GRCh38, 1-based): chr10:43,124,950, A>G. VCF-style: chr10-43124950-A-G. GRCh37 (hg19) VCF-style: chr10-43620398-A-G.
Other names: c.3007A>G, p.Lys1003Glu (NM_000323.2, NM_001406743.1, NM_001406744.1 and 4 more transcripts); c.2245A>G, p.Lys749Glu (NM_001355216.2); c.2878A>G, p.Lys960Glu (NM_001406761.1, NM_001406762.1, NM_001406764.1); c.2872A>G, p.Lys958Glu (NM_001406763.1, NM_001406765.1); c.2719A>G, p.Lys907Glu (NM_001406766.1, NM_001406767.1, NM_001406770.1); c.2743A>G, p.Lys915Glu (NM_001406768.1); c.2611A>G, p.Lys871Glu (NM_001406769.1, NM_001406772.1); c.2569A>G, p.Lys857Glu (NM_001406771.1, NM_001406773.1); and 10 more; short protein forms K1003E, K749E, K659E, K664E, K828E, K915E, K520E, K661E.
Identifiers: ClinVar variation 1474254 (VCV001474254.10), dbSNP rs1392503702, ClinGen allele CA376558175.
Genomic context (GRCh38, chr10:43,124,950, plus strand): 5'-CTGATGCTGCAATGCTGGAAGCAGGAGCCGGACAAAAGGCCGGTGTTTGCGGACATCAGC[A>G]AAGACCTGGAGAAGATGATGGTTAAGAGGAGAGTGAGTGCCTGGGTCCAATTCCCACAAG-3'
Protein context (NP_066124.1, residues 993-1013): DKRPVFADIS[Lys1003Glu]DLEKMMVKRR

ClinVar aggregate classification (germline): Uncertain significance. Review status: criteria provided, multiple submitters, no conflicts (2 of 4 stars). 3 submissions from 3 submitters: Uncertain significance (3). Last evaluated 2024-12-17.

Conditions:
Hereditary cancer-predisposing syndrome. Also called: Neoplastic Syndromes, Hereditary; Hereditary Cancer Syndrome; Tumor predisposition; Hereditary neoplastic syndrome. Identifiers: Orphanet 140162, MedGen C0027672, MeSH D009386, MONDO:0015356.
Multiple endocrine neoplasia, type 2 (MEN2). Identifiers: Orphanet 653, MedGen C4048306, MONDO:0019003. Disease mechanism: gain of function.

Submissions (3):

Labcorp Genetics (formerly Invitae), Labcorp
Classification: Uncertain significance for Multiple endocrine neoplasia, type 2. Last evaluated: 2024-12-17. Review status: criteria provided, single submitter. Criteria: Invitae Variant Classification Sherloc (09022015). Collection method: clinical testing. Allele origin: germline.
Comment: This sequence change replaces lysine, which is basic and polar, with glutamic acid, which is acidic and polar, at codon 1003 of the RET protein (p.Lys1003Glu). This variant is not present in population databases (gnomAD no frequency). This variant has not been reported in the literature in individuals affected with RET-related conditions. ClinVar contains an entry for this variant (Variation ID: 1474254). An algorithm developed to predict the effect of missense changes on protein structure and function (PolyPhen-2) suggests that this variant is likely to be tolerated. In summary, the available evidence is currently insufficient to determine the role of this variant in disease. Therefore, it has been classified as a Variant of Uncertain Significance.

All of Us Research Program, National Institutes of Health
Classification: Uncertain significance for Multiple endocrine neoplasia, type 2. Last evaluated: 2023-05-30. Review status: criteria provided, single submitter. Criteria: ACMG Guidelines, 2015. Collection method: clinical testing. Allele origin: germline. Inheritance: Autosomal dominant inheritance. Observed: 1 variant allele, 1 heterozygote.
Comment: This missense variant replaces lysine with glutamic acid at codon 1003 of the RET protein. Computational prediction is inconclusive regarding the impact of this variant on protein structure and function (internally defined REVEL score threshold 0.5 < inconclusive < 0.7, PMID: 27666373). To our knowledge, functional studies have not been reported for this variant. This variant has not been reported in individuals affected with hereditary cancer in the literature. This variant has not been identified in the general population by the Genome Aggregation Database (gnomAD). The available evidence is insufficient to determine the role of this variant in disease conclusively. Therefore, this variant is classified as a Variant of Uncertain Significance.

This study involves interpretation of variants in research participants for the purpose of population health screening. Participant phenotype was not available at the time of variant classification. Additional details can be found in publication PMID: 35346344, PMCID: PMC8962531

Ambry Genetics
Classification: Uncertain significance for Hereditary cancer-predisposing syndrome. Last evaluated: 2022-08-22. Review status: criteria provided, single submitter. Criteria: Ambry Variant Classification Scheme 2023. Collection method: clinical testing. Allele origin: germline.
Comment: The p.K1003E variant (also known as c.3007A>G), located in coding exon 18 of the RET gene, results from an A to G substitution at nucleotide position 3007. The lysine at codon 1003 is replaced by glutamic acid, an amino acid with similar properties. This amino acid position is conserved. In addition, the in silico prediction for this alteration is inconclusive. Since supporting evidence is limited at this time, the clinical significance of this alteration remains unclear.